The following is an entry in ClinVar:

ClinVar aggregate classification (germline): Pathogenic/Likely pathogenic. Review status: criteria provided, multiple submitters, no conflicts (2 of 4 stars). 2 submissions from 2 submitters: Pathogenic (1); Likely pathogenic (1). Last evaluated 2026-06-09.

Conditions:
Trichorhinophalangeal dysplasia type I (TRPS1). Also called: TRICHORHINOPHALANGEAL SYNDROME, TYPE I; TRPS I. Identifiers: Orphanet 77258, MedGen C0432233, MONDO:0008596, OMIM 190350.
Trichorhinophalangeal syndrome, type III (TRPS3). Also called: SUGIO-KAJII SYNDROME. Identifiers: Orphanet 77258, MedGen C1860823, OMIM 190351, MONDO:0008597.

Submissions (2):

GeneDx
Classification: Pathogenic. Last evaluated: 2026-06-09. Review status: criteria provided, single submitter. Criteria: GeneDx Variant Classification Process June 2021. Collection method: clinical testing. Allele origin: germline.
Comment: Canonical splice site variant predicted to result in a null allele in a gene for which loss of function is a known mechanism of disease; Not observed at significant frequency in large population cohorts (gnomAD); Has not been previously published as pathogenic or benign to our knowledge

Labcorp Genetics (formerly Invitae), Labcorp
Classification: Likely pathogenic for Trichorhinophalangeal syndrome, type III; Trichorhinophalangeal dysplasia type I. Last evaluated: 2024-12-15. Review status: criteria provided, single submitter. Criteria: Invitae Variant Classification Sherloc (09022015). Collection method: clinical testing. Allele origin: germline.
Comment: This sequence change affects an acceptor splice site in intron 4 of the TRPS1 gene. It is expected to disrupt RNA splicing. Variants that disrupt the donor or acceptor splice site typically lead to a loss of protein function (PMID: 16199547), and loss-of-function variants in TRPS1 are known to be pathogenic (PMID: 11112658). This variant is not present in population databases (gnomAD no frequency). This variant has not been reported in the literature in individuals affected with TRPS1-related conditions. ClinVar contains an entry for this variant (Variation ID: 2928947). Algorithms developed to predict the effect of sequence changes on RNA splicing suggest that this variant may disrupt the consensus splice site. In summary, the currently available evidence indicates that the variant is pathogenic, but additional data are needed to prove that conclusively. Therefore, this variant has been classified as Likely Pathogenic.

Literature cited by the submitters: PubMed 16199547 (cited by Labcorp Genetics (formerly Invitae), Labcorp); PubMed 11112658 (cited by Labcorp Genetics (formerly Invitae), Labcorp).

NM_014112.5(TRPS1):c.2097-2A>C

Gene: TRPS1 (transcriptional repressor GATA binding 1; minus strand). Cytogenetic location: 8q23.3.
Variant type: single nucleotide variant.
Coding change: c.2097-2A>C on transcript NM_014112.5 (MANE Select); the canonical splice acceptor site of the intron before coding-DNA position 2097, A replaced by C.
Molecular consequence: splice acceptor variant.
Genome position (GRCh38, 1-based): chr8:115,587,606, T>G on the plus strand (A>C on the coding strand, the complement: TRPS1 is on the minus strand). VCF-style: chr8-115587606-T-G. GRCh37 (hg19) VCF-style: chr8-116599833-T-G.
Other names: c.2058-2A>C (NM_001330599.2); c.2076-2A>C (NM_001282903.3); c.2070-2A>C (NM_001282902.3).
Identifiers: ClinVar variation 2928947 (VCV002928947.5), dbSNP rs2536862481, ClinGen allele CA372065888.
Genomic context (GRCh38, chr8:115,587,606, plus strand): 5'-ACTGAGTATCGGCAGCTGTAAAACTGCACTGACGGCATTTGTAGCAGCTGTGTGCTCTCC[T>G]GGAGAAGAAGAAAACAGTTACTGCAAAGACAGCGTTCTGAAGGGTTGTTTTATTTTTAAT-3'